The following is an entry in ClinVar:

ClinVar aggregate classification (germline): Uncertain significance (1 of 4 stars; one submission).

Conditions:
DIAPH3-related disorder. Also called: DIAPH3-related condition.

gnomAD v4.1: 16 of 1,607,614 alleles (0.001%); highest among the groups gnomAD compares: African/African-American, 0.004%; no homozygotes.

Submission:

PreventionGenetics, part of Exact Sciences
Classification: Uncertain significance for DIAPH3-related condition. Last evaluated: 2025-11-24. Review status: criteria provided, single submitter. Criteria: ACMG Guidelines, 2015. Collection method: clinical testing. Allele origin: germline.
Comment: The DIAPH3 c.2044C>T variant is predicted to result in the amino acid substitution p.Leu682Phe. To our knowledge, this variant has not been reported in the literature. This variant is reported in 0.0084% of alleles in individuals of African descent in gnomAD. At this time, the clinical significance of this variant is uncertain due to the absence of conclusive functional and genetic evidence.

NM_001042517.2(DIAPH3):c.2044C>T (p.Leu682Phe)

Gene: DIAPH3 (diaphanous related formin 3; minus strand). Cytogenetic location: 13q21.2.
Variant type: single nucleotide variant.
Coding change: c.2044C>T on transcript NM_001042517.2 (MANE Select); coding-DNA position 2044, C replaced by T.
Protein change: p.Leu682Phe; replaces leucine 682 with phenylalanine.
Molecular consequence: missense variant.
Genome position (GRCh38, 1-based): chr13:59,969,974, G>A on the plus strand (C>T on the coding strand, the complement: DIAPH3 is on the minus strand). VCF-style: chr13-59969974-G-A. GRCh37 (hg19) VCF-style: chr13-60544108-G-A.
Other names: c.2011C>T, p.Leu671Phe (NM_001258366.2); c.1906C>T, p.Leu636Phe (NM_001258367.2); c.1834C>T, p.Leu612Phe (NM_001258368.2); c.2044C>T, p.Leu682Phe (NM_001258369.2); c.1255C>T, p.Leu419Phe (NM_001258370.2, NM_030932.4); short protein forms L612F, L682F, L636F, L671F, L419F.
Identifiers: ClinVar variation 4984498 (VCV004984498.1).